The following is an entry in ClinVar:

ClinVar aggregate classification (germline): Likely pathogenic (1 of 4 stars; one submission).

Submission:

GeneDx
Classification: Likely pathogenic. Last evaluated: 2024-05-21. Review status: criteria provided, single submitter. Criteria: GeneDx Variant Classification Process June 2021. Collection method: clinical testing. Allele origin: germline. Affected: yes.
Comment: Has not been previously published as pathogenic or benign to our knowledge; In silico analysis, which includes protein predictors and evolutionary conservation, supports a deleterious effect; Not observed in large population cohorts (gnomAD)

NM_022454.4(SOX17):c.404A>G (p.Tyr135Cys)

Gene: SOX17 (SRY-box transcription factor 17; plus strand). Cytogenetic location: 8q11.23.
Variant type: single nucleotide variant.
Coding change: c.404A>G on transcript NM_022454.4 (MANE Select); coding-DNA position 404, A replaced by G.
Protein change: p.Tyr135Cys; replaces tyrosine 135 with cysteine.
Molecular consequence: missense variant.
Genome position (GRCh38, 1-based): chr8:54,459,154, A>G. VCF-style: chr8-54459154-A-G. GRCh37 (hg19) VCF-style: chr8-55371714-A-G.
Other names: short protein forms Y135C.
Identifiers: ClinVar variation 1188434 (VCV001188434.3), dbSNP rs2129278076, ClinGen allele CA371024375.